The following is an entry in ClinVar:

NM_000293.3(PHKB):c.716T>C (p.Val239Ala)

Gene: PHKB (phosphorylase kinase regulatory subunit beta; plus strand). Cytogenetic location: 16q12.1.
Variant type: single nucleotide variant.
Coding change: c.716T>C on transcript NM_000293.3 (MANE Select); coding-DNA position 716, T replaced by C.
Protein change: p.Val239Ala; replaces valine 239 with alanine.
Molecular consequence: missense variant.
Genome position (GRCh38, 1-based): chr16:47,580,300, T>C. VCF-style: chr16-47580300-T-C. GRCh37 (hg19) VCF-style: chr16-47614211-T-C.
Other names: c.695T>C, p.Val232Ala (NM_001031835.3); c.716T>C, p.Val239Ala (NM_001363837.1); short protein forms V239A, V232A.
Identifiers: ClinVar variation 319340 (VCV000319340.8), dbSNP rs761032231, ClinGen allele CA8040593.

ClinVar aggregate classification (germline): Uncertain significance. Review status: criteria provided, multiple submitters, no conflicts (2 of 4 stars). 3 submissions from 3 submitters: Uncertain significance (3). Last evaluated 2022-07-06.

Conditions:
Glycogen storage disease IXb (GSD9B). Also called: GLYCOGENOSIS OF LIVER AND MUSCLE, AUTOSOMAL RECESSIVE; GSD IXb; PHOSPHORYLASE KINASE DEFICIENCY OF LIVER AND MUSCLE, AUTOSOMAL RECESSIVE. Identifiers: Orphanet 79240, MedGen C0543514, MONDO:0009868, OMIM 261750.

Allele frequency attached by ClinVar (database versions not stated): gnomAD below 0.00001 and 0.00001; gnomAD exomes 0.00003 and 0.00006; ExAC 0.00007.

Submissions (3):

Labcorp Genetics (formerly Invitae), Labcorp
Classification: Uncertain significance for Glycogen storage disease IXb. Last evaluated: 2022-07-06. Review status: criteria provided, single submitter. Criteria: Invitae Variant Classification Sherloc (09022015). Collection method: clinical testing. Allele origin: germline.
Comment: This sequence change replaces valine, which is neutral and non-polar, with alanine, which is neutral and non-polar, at codon 239 of the PHKB protein (p.Val239Ala). This variant is present in population databases (rs761032231, gnomAD 0.05%). This variant has not been reported in the literature in individuals affected with PHKB-related conditions. ClinVar contains an entry for this variant (Variation ID: 319340). Algorithms developed to predict the effect of missense changes on protein structure and function are either unavailable or do not agree on the potential impact of this missense change (SIFT: "Deleterious"; PolyPhen-2: "Benign"; Align-GVGD: "Class C0"). In summary, the available evidence is currently insufficient to determine the role of this variant in disease. Therefore, it has been classified as a Variant of Uncertain Significance.

Illumina Laboratory Services, Illumina
Classification: Uncertain significance for Glycogen storage disease IXb. Last evaluated: 2018-01-13. Review status: criteria provided, single submitter. Criteria: ICSL Variant Classification Criteria 13 December 2019. Collection method: clinical testing. Allele origin: germline.

Neuberg Centre For Genomic Medicine, NCGM
Classification: Uncertain significance for Glycogen storage disease IXb. Review status: criteria provided, single submitter. Criteria: ACMG Guidelines, 2015. Collection method: clinical testing. Allele origin: germline. Inheritance: Autosomal recessive inheritance. Affected: yes.
Comment: The missense c.716T>Cp.Val239Ala variant in PHKB gene has not been reported previously as a pathogenic variant nor as a benign variant, to our knowledge. This variant is reported with the allele frequency of 0.006% in the gnomAD Exomes and novel in 1000 Genomes. This variant has been reported to the ClinVar database as Uncertain Significance. However, no details are available for independent assessment. The amino acid Val at position 239 is changed to a Ala changing protein sequence and it might alter its composition and physico-chemical properties. The amino acid change p.Val239Ala in PHKB is predicted as conserved by GERP++ and PhyloP across 100 vertebrates. The variant is predicted as damaging by SIFT. For these reasons, this variant has been classified as Uncertain Significance.